The following is an entry in ClinVar:

ClinVar aggregate classification (germline): Pathogenic (1 of 4 stars; one submission).

Conditions:
Alagille syndrome due to a JAG1 point mutation. Also called: Alagille Syndrome 1; HEPATIC DUCTULAR HYPOPLASIA, SYNDROMATIC; JAG1-Related Alagille Syndrome. Identifiers: Orphanet 261619, Orphanet 52, MedGen C1956125, MONDO:0016862, OMIM 118450.

Submission:

Labcorp Genetics (formerly Invitae), Labcorp
Classification: Pathogenic for Alagille syndrome due to a JAG1 point mutation. Last evaluated: 2022-07-03. Review status: criteria provided, single submitter. Criteria: Invitae Variant Classification Sherloc (09022015). Collection method: clinical testing. Allele origin: germline.
Comment: For these reasons, this variant has been classified as Pathogenic. This variant is also known as K392X. This premature translational stop signal has been observed in individual(s) with Alagille syndrome (PMID: 9585603, 31343788). This variant is not present in population databases (gnomAD no frequency). This sequence change creates a premature translational stop signal (p.Lys397*) in the JAG1 gene. It is expected to result in an absent or disrupted protein product. Loss-of-function variants in JAG1 are known to be pathogenic (PMID: 11180599).

Literature cited by the submitters: PubMed 9585603; PubMed 31343788; PubMed 11180599.

NM_000214.3(JAG1):c.1188dup (p.Lys397Ter)

Gene: JAG1 (jagged canonical Notch ligand 1; minus strand). Cytogenetic location: 20p12.2.
Variant type: Duplication.
Coding change: c.1188dup on transcript NM_000214.3 (MANE Select); coding-DNA position 1188, one base duplicated (T; older notation c.1188dupT).
Protein change: p.Lys397Ter; replaces lysine 397 with a stop codon.
Molecular consequence: nonsense.
Genome position (GRCh38, 1-based): chr20:10,650,293, A duplicated on the plus strand (T on the coding strand, the reverse complement: JAG1 is on the minus strand); the first of 3 consecutive A bases (chr20:10,650,293-10,650,295); duplicating any one gives the same sequence. VCF-style (leftmost placement, unchanged base first): chr20-10650292-T-TA. GRCh37 (hg19) VCF-style: chr20-10630940-T-TA.
Other names: short protein forms K397*.
Identifiers: ClinVar variation 2013789 (VCV002013789.4), dbSNP rs2514519182, ClinGen allele CA2580097931.